The following is an entry in ClinVar:

NM_001298.3(CNGA3):c.162_163insT (p.Arg55Ter)

Gene: CNGA3 (cyclic nucleotide gated channel subunit alpha 3; plus strand). Cytogenetic location: 2q11.2.
Variant type: Insertion.
Coding change: c.162_163insT on transcript NM_001298.3 (MANE Select); coding-DNA positions 162 to 163, T inserted.
Protein change: p.Arg55Ter; replaces arginine 55 with a stop codon.
Molecular consequence: nonsense.
Genome position: GRCh38 VCF-style: chr2-98377747-C-CT. GRCh37 (hg19) VCF-style: chr2-98994210-C-CT.
Other names: c.162_163insT, p.Arg55Ter (NM_001079878.2); short protein forms R55*.
Identifiers: ClinVar variation 1708674 (VCV001708674.8), dbSNP rs777753722, ClinGen allele CA1793598.

ClinVar aggregate classification (germline): Pathogenic. Review status: criteria provided, multiple submitters, no conflicts (2 of 4 stars). 3 submissions from 3 submitters: Pathogenic (3). Last evaluated 2025-12-04.

Allele frequency attached by ClinVar (database versions not stated): gnomAD exomes below 0.00001; ExAC 0.00001.

Submissions (3):

Dasa
Classification: Pathogenic. Last evaluated: 2025-12-04. Review status: criteria provided, single submitter. Criteria: DASA Assertion Criteria. Collection method: clinical testing. Allele origin: germline.
Comment: NM_001298.3(CNGA3):c.162_163insT (p.Arg55*) introduces a premature termination codon predicted to result in loss of normal protein function. Loss-of-function is an established mechanism of disease for this gene. This variant has been reported in an affected individual with related phenotype in a genotype context consistent with recessive disease (PMID: 30337596). The variant is present at low frequency in population datasets. Based on the available data, this variant is classified as pathogenic.

Labcorp Genetics (formerly Invitae), Labcorp
Classification: Pathogenic. Last evaluated: 2022-10-17. Review status: criteria provided, single submitter. Criteria: Invitae Variant Classification Sherloc (09022015). Collection method: clinical testing. Allele origin: germline.
Comment: This sequence change creates a premature translational stop signal (p.Arg55*) in the CNGA3 gene. It is expected to result in an absent or disrupted protein product. Loss-of-function variants in CNGA3 are known to be pathogenic (PMID: 14757870, 24903488, 25637600). This variant is present in population databases (rs777753722, gnomAD 0.0009%). For these reasons, this variant has been classified as Pathogenic. This premature translational stop signal has been observed in individual(s) with achromatopsia (PMID: 30337596).

GeneDx
Classification: Pathogenic. Last evaluated: 2022-04-05. Review status: criteria provided, single submitter. Criteria: GeneDx Variant Classification Process June 2021. Collection method: clinical testing. Allele origin: germline. Affected: yes.
Comment: Nonsense variant predicted to result in protein truncation or nonsense mediated decay in a gene for which loss of function is a known mechanism of disease; Not observed at significant frequency in large population cohorts (gnomAD); This variant is associated with the following publications: (PMID: 30337596)

Literature cited by the submitters: PubMed 30337596 (cited by Dasa and Labcorp Genetics (formerly Invitae), Labcorp); PubMed 14757870 (cited by Labcorp Genetics (formerly Invitae), Labcorp); PubMed 24903488 (cited by Labcorp Genetics (formerly Invitae), Labcorp); PubMed 25637600 (cited by Labcorp Genetics (formerly Invitae), Labcorp).